The following is an entry in ClinVar:

ClinVar aggregate classification (germline): Uncertain significance. Review status: criteria provided, multiple submitters, no conflicts (2 of 4 stars). 2 submissions from 2 submitters: Uncertain significance (2). Last evaluated 2023-07-17.

Conditions:
Severe combined immunodeficiency due to DNA-PKcs deficiency. Also called: IMMUNODEFICIENCY 26 WITH NEUROLOGIC ABNORMALITIES; Immunodeficiency 26 with or without neurologic abnormalities. Identifiers: Orphanet 317425, MedGen C4014833, MONDO:0014423, OMIM 615966.

Allele frequency attached by ClinVar (database versions not stated): gnomAD exomes below 0.00001.
gnomAD v4.1: 2 of 1,611,600 alleles (0.00012%); highest among the groups gnomAD compares: South Asian, 0.0022%; no homozygotes.

Submissions (2):

Labcorp Genetics (formerly Invitae), Labcorp
Classification: Uncertain significance for Severe combined immunodeficiency due to DNA-PKcs deficiency. Last evaluated: 2023-07-17. Review status: criteria provided, single submitter. Criteria: Invitae Variant Classification Sherloc (09022015). Collection method: clinical testing. Allele origin: germline.
Comment: In summary, the available evidence is currently insufficient to determine the role of this variant in disease. Therefore, it has been classified as a Variant of Uncertain Significance. Algorithms developed to predict the effect of sequence changes on RNA splicing suggest that this variant may create or strengthen a splice site. Advanced modeling of protein sequence and biophysical properties (such as structural, functional, and spatial information, amino acid conservation, physicochemical variation, residue mobility, and thermodynamic stability) performed at Invitae indicates that this missense variant is expected to disrupt PRKDC protein function. ClinVar contains an entry for this variant (Variation ID: 1794515). This variant has not been reported in the literature in individuals affected with PRKDC-related conditions. The frequency data for this variant in the population databases is considered unreliable, as metrics indicate poor data quality at this position in the gnomAD database. This sequence change replaces alanine, which is neutral and non-polar, with valine, which is neutral and non-polar, at codon 370 of the PRKDC protein (p.Ala370Val).

Ambry Genetics
Classification: Uncertain significance. Last evaluated: 2022-06-10. Review status: criteria provided, single submitter. Criteria: Ambry Variant Classification Scheme 2023. Collection method: clinical testing. Allele origin: germline.
Comment: The p.A370V variant (also known as c.1109C>T), located in coding exon 11 of the PRKDC gene, results from a C to T substitution at nucleotide position 1109. The alanine at codon 370 is replaced by valine, an amino acid with similar properties. This amino acid position is conserved. In addition, this alteration is predicted to be deleterious by in silico analysis. Since supporting evidence is limited at this time, the clinical significance of this alteration remains unclear.

NM_006904.7(PRKDC):c.1109C>T (p.Ala370Val)

Gene: PRKDC (protein kinase, DNA-activated, catalytic subunit; minus strand). Cytogenetic location: 8q11.21.
Variant type: single nucleotide variant.
Coding change: c.1109C>T on transcript NM_006904.7 (MANE Select); coding-DNA position 1109, C replaced by T.
Protein change: p.Ala370Val; replaces alanine 370 with valine.
Molecular consequence: missense variant.
Genome position (GRCh38, 1-based): chr8:47,939,555, G>A on the plus strand (C>T on the coding strand, the complement: PRKDC is on the minus strand). VCF-style: chr8-47939555-G-A. GRCh37 (hg19) VCF-style: chr8-48852115-G-A.
Other names: c.1109C>T, p.Ala370Val (NM_001081640.2); short protein forms A370V.
Identifiers: ClinVar variation 1794515 (VCV001794515.7), dbSNP rs1433913673, ClinGen allele CA371166549.